The following is an entry in ClinVar:

ClinVar aggregate classification (germline): Likely pathogenic. Review status: criteria provided, multiple submitters, no conflicts (2 of 4 stars). 2 submissions from 2 submitters: Likely pathogenic (2). Last evaluated 2026-09-01.

Conditions:
Hypophosphatasia. Also called: Phosphoethanol-aminuria. Identifiers: Orphanet 436, MedGen C0020630, MeSH D007014, MONDO:0018570.

Submissions (2):

Genomenon, Inc
Classification: Likely pathogenic for Hypophosphatasia. Last evaluated: 2026-09-01. Review status: criteria provided, single submitter. Criteria: Genomenon Sequence Variant Interpretation Standards - Updated. Collection method: curation. Allele origin: germline. Affected: yes.
Comment: ALPL p.Cys497Ser (c.1489T>A) is a missense variant that changes the amino acid at codon 497 from Cysteine to Serine. This variant has been observed in at least one proband affected with an ALPL-related disorder (PMID:29724887). The variant was found to segregate with disease in at least one affected family (PMID:29724887). It is absent or not present at a significant frequency in gnomAD. In silico models predict that this variant is possibly or probably damaging. In conclusion, we classify ALPL p.Cys497Ser (c.1489T>A) as a likely pathogenic variant.

JKU Lab, Dept of Paediatrics, Johannes Kepler University
Classification: Likely pathogenic for Hypophosphatasia. Last evaluated: 2023-10-24. Review status: criteria provided, single submitter. Criteria: ACMG Guidelines, 2015. Collection method: clinical testing. Allele origin: germline. Affected: yes. Observed: 1 heterozygote.
Comment: Absent in GnomAD.

Literature cited by the submitters: PubMed 29724887 (cited by Genomenon, Inc).

NM_000478.6(ALPL):c.1489T>A (p.Cys497Ser)

Gene: ALPL (alkaline phosphatase, biomineralization associated; plus strand). Cytogenetic location: 1p36.12.
Variant type: single nucleotide variant.
Coding change: c.1489T>A on transcript NM_000478.6 (MANE Select); coding-DNA position 1489, T replaced by A.
Protein change: p.Cys497Ser; replaces cysteine 497 with serine.
Molecular consequence: missense variant.
Genome position (GRCh38, 1-based): chr1:21,577,562, T>A. VCF-style: chr1-21577562-T-A. GRCh37 (hg19) VCF-style: chr1-21904055-T-A.
Other names: c.1324T>A, p.Cys442Ser (NM_001127501.4); c.1258T>A, p.Cys420Ser (NM_001177520.3); c.1489T>A, p.Cys497Ser (NM_001369803.2, NM_001369804.2, NM_001369805.2); short protein forms C420S, C442S, C497S.
Identifiers: ClinVar variation 2671573 (VCV002671573.3), dbSNP rs2545351622, ClinGen allele CA338882390.